The following is an entry in ClinVar:

ClinVar aggregate classification (germline): Pathogenic. Review status: reviewed by expert panel (3 of 4 stars). 2 submissions from 2 submitters: Pathogenic (1). 1 of the submissions does not count toward it. Last evaluated 2020-10-22.

Conditions:
Phenylketonuria (PKU). Also called: Phenylketonuria (PKU); FOLLING DISEASE; OLIGOPHRENIA PHENYLPYRUVICA; Phenylketonurias. Identifiers: Orphanet 716, MedGen C0031485, MONDO:0009861, OMIM 261600. Disease mechanism: loss of function.

Submissions (2):

ClinGen PAH Variant Curation Expert Panel
Classification: Pathogenic for Phenylketonuria. Last evaluated: 2020-10-22. Review status: reviewed by expert panel. Criteria: ClinGen PAH ACMG Specifications v1. Collection method: curation. Allele origin: germline. Inheritance: Autosomal recessive inheritance.
Comment: This c.241_256del (p.Thr81fs) variant in PAH has been reported in two patients with PKU, observed with two pathogenic variants: p.R241C, phase unknown (PMID: 14722928) and with p.V399V, phase unknown (PMID: 24401910). This variant is absent from controls is population databases. This is a frameshift variant in exon 3 out of 13 coding exons. The variant is predicted to undergo nonsense mediated mRNA decay (NMD), as it is not located in the 3â€™-most exon or the 3â€™-most 50 bp of the penultimate exon. In summary, this variant meets criteria to be classified as pathogenic for PAH. PAH-specific ACMG/AMP criteria applied: PVS1, PM2, PP4_moderate, and PM3.

DeBelle Laboratory for Biochemical Genetics, MUHC/MCH RESEARCH INSTITUTE
No classification provided. Review status: no classification provided. Collection method: not provided. Allele origin: not provided. Not counted in ClinVar's aggregate classification.

Literature cited by the submitters: PubMed 24401910 (cited by ClinGen PAH Variant Curation Expert Panel); PubMed 14722928 (cited by ClinGen PAH Variant Curation Expert Panel).

NM_000277.3(PAH):c.241_256del (p.Thr81fs)

Gene: PAH (phenylalanine hydroxylase; minus strand). Cytogenetic location: 12q23.2.
Variant type: Deletion.
Coding change: c.241_256del on transcript NM_000277.3 (MANE Select); coding-DNA positions 241 to 256, 16 bases deleted (ACCCATTTGGATAAAC).
Protein change: p.Thr81fs; shifts the reading frame from threonine 81.
Molecular consequence: frameshift variant.
Genome position (GRCh38, 1-based): chr12:102,894,831-102,894,846, GTTTATCCAAATGGGT deleted on the plus strand (ACCCATTTGGATAAAC on the coding strand, the reverse complement: PAH is on the minus strand); deleting any 16 consecutive bases within chr12:102,894,831-102,894,847 gives the same sequence; the c. name uses the placement nearest the transcript's 3' end. VCF-style (leftmost placement, unchanged base first): chr12-102894830-CGTTTATCCAAATGGGT-C. GRCh37 (hg19) VCF-style: chr12-103288608-CGTTTATCCAAATGGGT-C.
Other names: c.241_256del, p.Thr81fs (NM_001354304.2); short protein forms T81fs.
Identifiers: ClinVar variation 102638 (VCV000102638.2), dbSNP rs63749677, ClinGen allele CA229499.
Genomic context (GRCh38, chr12:102,894,830, plus strand): 5'-ACAGTGGCACCAATGTCATGCCTCAAGATCTTGATGATGTTTGTCAGAGCAGGCAGGCTA[CGTTTATCCAAATGGGT>C]GAAAAATTCATACTCATCTTTCTTTAAACGAGAAGGTCTAGATTCAATGTGGGTCAGGTT-3'